The following is an entry in ClinVar:

NM_001379500.1(COL18A1):c.1795C>A (p.Pro599Thr)

Gene: COL18A1 (collagen type XVIII alpha 1 chain; plus strand). Cytogenetic location: 21q22.3.
Variant type: single nucleotide variant.
Coding change: c.1795C>A on transcript NM_001379500.1 (MANE Select); coding-DNA position 1795, C replaced by A.
Protein change: p.Pro599Thr; replaces proline 599 with threonine.
Molecular consequence: missense variant.
Genome position (GRCh38, 1-based): chr21:45,486,954, C>A. VCF-style: chr21-45486954-C-A. GRCh37 (hg19) VCF-style: chr21-46906868-C-A.
Other names: c.2335C>A, p.Pro779Thr (NM_030582.4); c.3040C>A, p.Pro1014Thr (NM_130444.3); short protein forms P599T, P1014T, P779T.
Identifiers: ClinVar variation 2762021 (VCV002762021.3), dbSNP rs2036135500, ClinGen allele CA410496327.

ClinVar aggregate classification (germline): Uncertain significance (1 of 4 stars; one submission).

gnomAD v4.1: 1 of 1,494,670 alleles (0.000067%); highest among the groups gnomAD compares: Non-Finnish European, 0.000089%; no homozygotes.

Submission:

Labcorp Genetics (formerly Invitae), Labcorp
Classification: Uncertain significance. Last evaluated: 2023-09-20. Review status: criteria provided, single submitter. Criteria: Invitae Variant Classification Sherloc (09022015). Collection method: clinical testing. Allele origin: germline.
Comment: This sequence change replaces proline, which is neutral and non-polar, with threonine, which is neutral and polar, at codon 599 of the COL18A1 protein (p.Pro599Thr). This variant is not present in population databases (gnomAD no frequency). This variant has not been reported in the literature in individuals affected with COL18A1-related conditions. Experimental studies and prediction algorithms are not available or were not evaluated, and the functional significance of this variant is currently unknown. In summary, the available evidence is currently insufficient to determine the role of this variant in disease. Therefore, it has been classified as a Variant of Uncertain Significance.